The following is an entry in ClinVar:

ClinVar aggregate classification (germline): Likely benign (1 of 4 stars; one submission).

Conditions:
Hereditary spastic paraplegia 31. Also called: SPASTIC PARAPLEGIA 31, AUTOSOMAL DOMINANT. Identifiers: Orphanet 101011, MedGen C1853247, MONDO:0012453, OMIM 610250.

Allele frequency attached by ClinVar (database versions not stated): TOPMed 0.00246; gnomAD 0.00389; 1000 Genomes Project 30x 0.01249; 1000 Genomes Project 0.01418; gnomAD exomes 0.02469.
gnomAD v4.1: 501 of 152,494 alleles (0.33%); highest among the groups gnomAD compares: East Asian, 6.5%; 12 homozygotes.

Submission:

Illumina Laboratory Services, Illumina
Classification: Likely benign for Hereditary spastic paraplegia 31. Last evaluated: 2017-04-27. Review status: criteria provided, single submitter. Criteria: ICSL Variant Classification Criteria 13 December 2019. Collection method: clinical testing. Allele origin: germline.
Comment: This variant was observed as part of a predisposition screen in an ostensibly healthy population. A literature search was performed for the gene, cDNA change, and amino acid change (where applicable). No publications were found based on this search. Allele frequency data from public databases allowed determination this variant is unlikely to cause disease. Therefore, this variant is classified as likely benign.

NM_001371279.1(REEP1):c.*1614G>A

Gene: REEP1 (receptor accessory protein 1; minus strand). Cytogenetic location: 2p11.2.
Variant type: single nucleotide variant.
Coding change: c.*1614G>A on transcript NM_001371279.1 (MANE Select); 1614 bases downstream of the stop codon, G replaced by A.
Molecular consequence: 3 prime UTR variant.
Genome position (GRCh38, 1-based): chr2:86,215,425, C>T on the plus strand (G>A on the coding strand, the complement: REEP1 is on the minus strand). VCF-style: chr2-86215425-C-T. GRCh37 (hg19) VCF-style: chr2-86442548-C-T.
Other names: c.*1675G>A (NM_001164730.2, NM_001164731.2, NM_022912.3); c.*1614G>A (NM_001164732.2, NM_001371280.1).
Identifiers: ClinVar variation 337369 (VCV000337369.5), dbSNP rs3731817, ClinGen allele CA10614585.